The following is an entry in ClinVar:

ClinVar aggregate classification (germline): Uncertain significance (1 of 4 stars; one submission).

Conditions:
Autosomal recessive limb-girdle muscular dystrophy type 2Q (LGMDR17). Also called: MUSCULAR DYSTROPHY, LIMB-GIRDLE, AUTOSOMAL RECESSIVE 17. Identifiers: Orphanet 254361, MedGen C3150989, MONDO:0013390, OMIM 613723.
Epidermolysis bullosa simplex 5B, with muscular dystrophy (EBS5B). Also called: EPIDERMOLYSIS BULLOSA SIMPLEX AND LIMB-GIRDLE MUSCULAR DYSTROPHY; Epidermolysis bullosa simplex with muscular dystrophy. Identifiers: Orphanet 257, MedGen C2931072, MONDO:0009181, OMIM 226670.
Epidermolysis bullosa simplex, Ogna type (EBS5A). Also called: Pidermolysis bullosa simplex 5A, Ogna type; EPIDERMOLYSIS BULLOSA SIMPLEX 5A, OGNA TYPE. Identifiers: Orphanet 79401, MedGen C0432317, MONDO:0007555, OMIM 131950.
Epidermolysis bullosa simplex with nail dystrophy (EBS5D). Identifiers: MedGen C4225309, MONDO:0014661, OMIM 616487.
Epidermolysis bullosa simplex 5C, with pyloric atresia (EBS5C). Also called: Epidermolysis bullosa simplex with pyloric atresia; PLEC1-Related Epidermolysis Bullosa with Pyloric Atresia; PLEC-Related Epidermolysis Bullosa with Pyloric Atresia. Identifiers: Orphanet 158684, MedGen C2677349, MONDO:0012807, OMIM 612138.

Submission:

Labcorp Genetics (formerly Invitae), Labcorp
Classification: Uncertain significance for Autosomal recessive limb-girdle muscular dystrophy type 2Q; Epidermolysis bullosa simplex, Ogna type; Epidermolysis bullosa simplex with nail dystrophy; Epidermolysis bullosa simplex 5C, with pyloric atresia; Epidermolysis bullosa simplex 5B, with muscular dystrophy. Last evaluated: 2022-07-05. Review status: criteria provided, single submitter. Criteria: Invitae Variant Classification Sherloc (09022015). Collection method: clinical testing. Allele origin: germline.
Comment: In summary, the available evidence is currently insufficient to determine the role of this variant in disease. Therefore, it has been classified as a Variant of Uncertain Significance. Algorithms developed to predict the effect of missense changes on protein structure and function (SIFT, PolyPhen-2, Align-GVGD) all suggest that this variant is likely to be disruptive. ClinVar contains an entry for this variant (Variation ID: 1475272). This variant has not been reported in the literature in individuals affected with PLEC-related conditions. This variant is not present in population databases (gnomAD no frequency). This sequence change replaces valine, which is neutral and non-polar, with glycine, which is neutral and non-polar, at codon 3268 of the PLEC protein (p.Val3268Gly).

NM_201384.3(PLEC):c.9722T>G (p.Val3241Gly)

Gene: PLEC (plectin; minus strand). Cytogenetic location: 8q24.3.
Variant type: single nucleotide variant.
Coding change: c.9722T>G on transcript NM_201384.3 (MANE Select); coding-DNA position 9722, T replaced by G.
Protein change: p.Val3241Gly; replaces valine 3241 with glycine.
Molecular consequence: missense variant.
Genome position (GRCh38, 1-based): chr8:143,920,099, A>C on the plus strand (T>G on the coding strand, the complement: PLEC is on the minus strand). VCF-style: chr8-143920099-A-C. GRCh37 (hg19) VCF-style: chr8-144994267-A-C.
Other names: c.9803T>G, p.Val3268Gly (NM_000445.5); c.9680T>G, p.Val3227Gly (NM_201378.4); c.9656T>G, p.Val3219Gly (NM_201379.3); c.10133T>G, p.Val3378Gly (NM_201380.4); c.9626T>G, p.Val3209Gly (NM_201381.3); c.9722T>G, p.Val3241Gly (NM_201382.4); c.9734T>G, p.Val3245Gly (NM_201383.3); short protein forms V3227G, V3241G, V3245G, V3378G, V3209G, V3219G, V3268G.
Identifiers: ClinVar variation 1475272 (VCV001475272.8), dbSNP rs1822033344, ClinGen allele CA372507118.